The following is an entry in ClinVar:

ClinVar aggregate classification (germline): Pathogenic (1 of 4 stars; one submission).

Conditions:
Aicardi-Goutieres syndrome 2. Identifiers: Orphanet 51, MedGen C3489724, MONDO:0012429, OMIM 610181.

Submission:

Myriad Genetics, Inc.
Classification: Pathogenic for Aicardi-Goutieres syndrome 2. Last evaluated: 2026-07-18. Review status: criteria provided, single submitter. Criteria: Myriad Autosomal Dominant, Autosomal Recessive and X-Linked Classification Criteria (2023). Collection method: clinical testing. Allele origin: unknown.
Comment: NM_024570.3(RNASEH2B):c.524_525delTG(V175Gfs*7) is expected to be pathogenic in the context of Aicardi-Goutieres syndrome, RNASEH2B-related. This variant is predicted to lead to an abnormal or absent protein product due to the creation of a premature termination codon in RNASEH2B, a gene where loss-of-function variants are known to be pathogenic. Please note: this variant was assessed in the context of healthy population screening.

NM_024570.4(RNASEH2B):c.524_525del (p.Val175fs)

Gene: RNASEH2B (ribonuclease H2 subunit B; plus strand). Cytogenetic location: 13q14.3.
Variant type: Microsatellite.
Coding change: c.524_525del on transcript NM_024570.4 (MANE Select); coding-DNA positions 524 to 525, 2 bases deleted (TG; older notation c.524_525delTG).
Protein change: p.Val175fs; shifts the reading frame from valine 175.
Molecular consequence: frameshift variant.
Genome position (GRCh38, 1-based): chr13:50,945,440-50,945,441, TG deleted; deleting any 2 consecutive bases within chr13:50,945,438-50,945,441 gives the same sequence; the c. name uses the placement nearest the transcript's 3' end. VCF-style (leftmost placement, unchanged base first): chr13-50945437-CTG-C. GRCh37 (hg19) VCF-style: chr13-51519573-CTG-C.
Other names: c.524_525del, p.Val175fs (NM_001142279.2, NM_001411023.1); short protein forms V175fs.
Identifiers: ClinVar variation 5016143 (VCV005016143.1).